The following is an entry in ClinVar:

NM_004435.2(ENDOG):c.651C>T (p.Val217=)

Genes: ENDOG (endonuclease G; plus strand), KYAT1-SPOUT1 (KYAT1-SPOUT1 readthrough; minus strand), SPOUT1 (SPOUT domain containing methyltransferase 1; minus strand). Cytogenetic location: 9q34.11.
Variant type: single nucleotide variant.
Coding change: c.651C>T on transcript NM_004435.2 (MANE Select); coding-DNA position 651, C replaced by T.
Protein change: p.Val217=; no amino-acid change (valine 217 retained).
Molecular consequence: synonymous variant. On other transcripts: 3 prime UTR variant (2), non-coding transcript variant (2).
Genome position (GRCh38, 1-based): chr9:128,822,367, C>T. VCF-style: chr9-128822367-C-T. GRCh37 (hg19) VCF-style: chr9-131584646-C-T.
Other names: c.*398G>A (NM_001414398.1, NM_016390.4).
Identifiers: ClinVar variation 4084330 (VCV004084330.8).
Genomic context (GRCh38, chr9:128,822,367, plus strand): 5'-TGTGCCTGGGTCTGCCCACAGGACAGAGGCTGATGGGAAATCCTACGTAAAGTACCAGGT[C>T]ATCGGCAAGAACCACGTGGCAGTGCCCACACACTTCTTCAAGGTGCTGATCCTGGAGGCA-3'
Protein context (NP_004426.2, residues 207-227): ADGKSYVKYQ[Val217=]IGKNHVAVPT

ClinVar aggregate classification (germline): Likely benign (1 of 4 stars; one submission).

gnomAD v4.1: 214 of 1,613,990 alleles (0.013%); highest among the groups gnomAD compares: African/African-American, 0.075%; no homozygotes.

Submission:

CeGaT Center for Human Genetics Tuebingen
Classification: Likely benign. Last evaluated: 2025-07-01. Review status: criteria provided, single submitter. Criteria: CeGaT Center For Human Genetics Tuebingen Variant Classification Criteria Version 2. Collection method: clinical testing. Allele origin: germline. Affected: yes. Observed: 1 variant allele.
Comment: ENDOG: BP4, BP7